The following is an entry in ClinVar:

ClinVar aggregate classification (germline): Uncertain significance (1 of 4 stars; one submission).

Submission:

Labcorp Genetics (formerly Invitae), Labcorp
Classification: Uncertain significance. Last evaluated: 2024-05-22. Review status: criteria provided, single submitter. Criteria: Invitae Variant Classification Sherloc (09022015). Collection method: clinical testing. Allele origin: germline.
Comment: This sequence change affects codon 74 of the TGDS mRNA. It is a 'silent' change, meaning that it does not change the encoded amino acid sequence of the TGDS protein. This variant also falls at the last nucleotide of exon 3, which is part of the consensus splice site for this exon. This variant is not present in population databases (gnomAD no frequency). This variant has not been reported in the literature in individuals affected with TGDS-related conditions. Variants that disrupt the consensus splice site are a relatively common cause of aberrant splicing (PMID: 17576681, 9536098). Algorithms developed to predict the effect of sequence changes on RNA splicing suggest that this variant may disrupt the consensus splice site. In summary, the available evidence is currently insufficient to determine the role of this variant in disease. Therefore, it has been classified as a Variant of Uncertain Significance.

Literature cited by the submitters: PubMed 17576681; PubMed 9536098.

NM_014305.4(TGDS):c.222G>A (p.Gln74=)

Gene: TGDS (TDP-glucose 4,6-dehydratase; minus strand). Cytogenetic location: 13q32.1.
Variant type: single nucleotide variant.
Coding change: c.222G>A on transcript NM_014305.4 (MANE Select); coding-DNA position 222, G replaced by A.
Protein change: p.Gln74=; no amino-acid change (glutamine 74 retained).
Molecular consequence: synonymous variant. On other transcripts: non-coding transcript variant (2).
Genome position (GRCh38, 1-based): chr13:94,592,241, C>T on the plus strand (G>A on the coding strand, the complement: TGDS is on the minus strand). VCF-style: chr13-94592241-C-T. GRCh37 (hg19) VCF-style: chr13-95244495-C-T.
Other names: c.126G>A, p.Gln42= (NM_001304430.2).
Identifiers: ClinVar variation 3683907 (VCV003683907.2).